The following is an entry in ClinVar:

NM_014915.3(ANKRD26):c.2572C>T (p.Arg858Ter)

Gene: ANKRD26 (ankyrin repeat domain 26; minus strand). Cytogenetic location: 10p12.1.
Variant type: single nucleotide variant.
Coding change: c.2572C>T on transcript NM_014915.3 (MANE Select); coding-DNA position 2572, C replaced by T.
Protein change: p.Arg858Ter; replaces arginine 858 with a stop codon.
Molecular consequence: nonsense.
Genome position (GRCh38, 1-based): chr10:27,037,311, G>A on the plus strand (C>T on the coding strand, the complement: ANKRD26 is on the minus strand). VCF-style: chr10-27037311-G-A. GRCh37 (hg19) VCF-style: chr10-27326240-G-A.
Other names: c.2569C>T, p.Arg857Ter (NM_001256053.2); short protein forms R857*, R858*.
Identifiers: ClinVar variation 1306704 (VCV001306704.6), dbSNP rs755646041, ClinGen allele CA5448193.

ClinVar aggregate classification (germline): Uncertain significance. Review status: criteria provided, multiple submitters, no conflicts (2 of 4 stars). 2 submissions from 2 submitters: Uncertain significance (2). Last evaluated 2025-06-13.

Allele frequency attached by ClinVar (database versions not stated): gnomAD 0.00007 and 0.00008; ExAC 0.00001; TOPMed 0.00006; gnomAD exomes 0.00002.
gnomAD v4.1: 28 of 1,613,558 alleles (0.0017%); highest among the groups gnomAD compares: African/African-American, 0.027%; no homozygotes.

Submissions (2):

Labcorp Genetics (formerly Invitae), Labcorp
Classification: Uncertain significance. Last evaluated: 2025-06-13. Review status: criteria provided, single submitter. Criteria: Invitae Variant Classification Sherloc (09022015). Collection method: clinical testing. Allele origin: germline.
Comment: This sequence change creates a premature translational stop signal (p.Arg858*) in the ANKRD26 gene. It is expected to result in an absent or disrupted protein product. However, the current clinical and genetic evidence is not sufficient to establish whether loss-of-function variants in ANKRD26 cause disease. This variant is present in population databases (rs755646041, gnomAD 0.03%). This variant has not been reported in the literature in individuals affected with ANKRD26-related conditions. ClinVar contains an entry for this variant (Variation ID: 1306704). In summary, the available evidence is currently insufficient to determine the role of this variant in disease. Therefore, it has been classified as a Variant of Uncertain Significance.

GeneDx
Classification: Uncertain significance. Last evaluated: 2023-05-13. Review status: criteria provided, single submitter. Criteria: GeneDx Variant Classification Process June 2021. Collection method: clinical testing. Allele origin: germline. Affected: yes.
Comment: Has not been previously published as pathogenic or benign to our knowledge; Nonsense variant predicted to result in protein truncation or nonsense mediated decay in a gene for which loss-of-function is not a known mechanism of disease